The following is an entry in ClinVar:

NM_001276345.2(TNNT2):c.460C>T (p.Arg154Trp)

Gene: TNNT2 (troponin T2, cardiac type; minus strand). Cytogenetic location: 1q32.1.
Variant type: single nucleotide variant.
Coding change: c.460C>T on transcript NM_001276345.2 (MANE Select); coding-DNA position 460, C replaced by T.
Protein change: p.Arg154Trp; replaces arginine 154 with tryptophan.
Molecular consequence: missense variant.
Genome position (GRCh38, 1-based): chr1:201,364,327, G>A on the plus strand (C>T on the coding strand, the complement: TNNT2 is on the minus strand). VCF-style: chr1-201364327-G-A. GRCh37 (hg19) VCF-style: chr1-201333455-G-A.
Other names: R144W(missense/non-synonymousmutation); c.430C>T, p.Arg144Trp (NM_001276347.2, NM_001001430.3, NM_001001431.3); c.460C>T, p.Arg154Trp (NM_000364.4); c.415C>T, p.Arg139Trp (NM_001001432.3); c.340C>T, p.Arg114Trp (NM_001276346.2); c.460C>T (NM_001276345.1); short protein forms R144W, R154W, R114W, R139W.
Identifiers: ClinVar variation 132943 (VCV000132943.32), dbSNP rs483352832, ClinGen allele CA004554.

ClinVar aggregate classification (germline): Conflicting classifications of pathogenicity. Review status: criteria provided, conflicting classifications (1 of 4 stars). 10 submissions from 9 submitters: Pathogenic (1); Likely pathogenic (5); Uncertain significance (3). 1 of the submissions does not count toward it. Last evaluated 2025-12-22.

Conditions:
Primary dilated cardiomyopathy (DCM). Also called: Dilated Cardiomyopathy. Identifiers: Orphanet 217604, MedGen C0007193, MeSH D002311, MONDO:0005021, HP:0001644. Inheritance: Various modes of inheritance.
Myocarditis. Identifiers: MedGen C0027059, MONDO:0004496, HP:0012819.
Hypertrophic cardiomyopathy 2. Also called: TNNT2-Related Familial Hypertrophic Cardiomyopathy. Identifiers: MedGen C1861864, MONDO:0007266, OMIM 115195.
Dilated cardiomyopathy 1D. Identifiers: Orphanet 154, Orphanet 54260, MedGen C1832243, MONDO:0011095, OMIM 601494.
Cardiomyopathy, familial restrictive, 3. Identifiers: Orphanet 75249, MedGen C2676271, MONDO:0012900, OMIM 612422.
Cardiomyopathy (CMYO). Also called: Cardiomyopathies. Identifiers: Orphanet 167848, MedGen C0878544, MONDO:0004994, HP:0001638. Inheritance: Various modes of inheritance.
Left ventricular noncompaction cardiomyopathy. Also called: left ventricular non-compaction cardiomyopathy. Identifiers: MedGen C4021133, HP:0011664.
Dilated cardiomyopathy 1DD (CMD1DD). Identifiers: Orphanet 154, MedGen C2750995, MONDO:0013168, OMIM 613172.

Allele frequency attached by ClinVar (database versions not stated): gnomAD 0.00001; TOPMed 0.00001; ExAC 0.00003; gnomAD exomes 0.00003; 1000 Genomes Project 30x 0.00016; 1000 Genomes Project 0.00020.

Submissions (10):

Labcorp Genetics (formerly Invitae), Labcorp
Classification: Likely pathogenic for Cardiomyopathy, familial restrictive, 3; Hypertrophic cardiomyopathy 2; Dilated cardiomyopathy 1D. Last evaluated: 2025-12-22. Review status: criteria provided, single submitter. Criteria: Invitae Variant Classification Sherloc (09022015). Collection method: clinical testing. Allele origin: germline.
Comment: This sequence change replaces arginine, which is basic and polar, with tryptophan, which is neutral and slightly polar, at codon 144 of the TNNT2 protein (p.Arg144Trp). This variant is present in population databases (rs483352832, gnomAD 0.01%). This missense change has been observed in individual(s) with dilated cardiomyopathy and/or hypertrophic cardiomyopathy (PMID: 24992688, 36264615, 37937776). It has also been observed to segregate with disease in related individuals. This variant is also known as Arg154Trp. ClinVar contains an entry for this variant (Variation ID: 132943). Invitae Evidence Modeling of protein sequence and biophysical properties (such as structural, functional, and spatial information, amino acid conservation, physicochemical variation, residue mobility, and thermodynamic stability) indicates that this missense variant is not expected to disrupt TNNT2 protein function with a negative predictive value of 80%. Experimental studies are conflicting or provide insufficient evidence to determine the effect of this variant on TNNT2 function (PMID: 28973951, 33025817). In summary, the currently available evidence indicates that the variant is pathogenic, but additional data are needed to prove that conclusively. Therefore, this variant has been classified as Likely Pathogenic.

Variantyx, Inc.
Classification: Likely pathogenic for Hypertrophic cardiomyopathy 2. Last evaluated: 2025-05-23. Review status: criteria provided, single submitter. Criteria: Variantyx Assertion Criteria 2022. Collection method: clinical testing. Allele origin: germline. Inheritance: Autosomal dominant inheritance.
Comment: This is a nonsynonymous variant in the TNNT2 gene (OMIM: 191045). Pathogenic variants in this gene have been associated with autosomal dominant cardiomyopathy. This variant has been reported in at least 2 unrelated affected individuals (PMID: 33297573,36264615) (PS4_Moderate). This variant lies within a known hotspot for pathogenic variants or a well-established critical functional domain of the TNNT2 protein (PMID: 32278834) (PM1) and multiple computational algorithms predict a deleterious effect for this variant (REVEL score: 0.776) (PP3). This variant has a 0.0121% maximum allele frequency in non-founder control populations (PM2). Based on the current evidence, this variant is classified as likely pathogenic for autosomal dominant cardiomyopathy.

All of Us Research Program, National Institutes of Health
Classification: Uncertain significance for Cardiomyopathy. Last evaluated: 2024-02-05. Review status: criteria provided, single submitter. Criteria: ACMG Guidelines, 2015. Collection method: clinical testing. Allele origin: germline. Inheritance: Autosomal dominant inheritance. Observed: 13 variant alleles, 13 heterozygotes.
Comment: This missense variant replaces arginine with tryptophan at codon 144 of the TNNT2 protein. Computational prediction tools indicate that this variant has a deleterious impact on protein structure and function. Functional studies have shown that this variant may increase the binding affinity for tropomyosin and reduce Ca2+ sensitivity (PMID: 28973951). However, clinical relevance of this observation is not known. This variant has been reported in three individuals affected with dilated cardiomyopathy (PMID: 24992688, 34213952; ClinVar SCV002025668.1). It has been shown that this variant segregates with disease in 4 affected individuals in one family (PMID: 24992688). This variant has also been reported in one individual affected with hypertrophic cardiomyopathy (PMID: 33297573) and in two individuals affected with left ventricular noncompaction cardiomyopathy (PMID: 34540771, 34853230). This variant has been identified in 8/249866 chromosomes in the general population by the Genome Aggregation Database (gnomAD). The available evidence is insufficient to determine the role of this variant in disease conclusively. Therefore, this variant is classified as a Variant of Uncertain Significance.

This study involves interpretation of variants in research participants for the purpose of population health screening. Participant phenotype was not available at the time of variant classification. Additional details can be found in publication PMID: 35346344, PMCID: PMC8962531

Color Diagnostics, LLC DBA Color Health
Classification: Uncertain significance for Cardiomyopathy. Last evaluated: 2023-12-11. Review status: criteria provided, single submitter. Criteria: ACMG Guidelines, 2015. Collection method: clinical testing. Allele origin: germline.
Comment: This missense variant replaces arginine with tryptophan at codon 144 of the TNNT2 protein. Computational prediction tools indicate that this variant has a deleterious impact on protein structure and function. Functional studies have shown that this variant may increase the binding affinity for tropomyosin and reduce Ca2+ sensitivity (PMID: 28973951). However, clinical relevance of this observation is not known. This variant has been reported in three individuals affected with dilated cardiomyopathy (PMID: 24992688, 34213952; ClinVar SCV002025668.1). It has been shown that this variant segregates with disease in 4 affected individuals in one family (PMID: 24992688). This variant has also been reported in one individual affected with hypertrophic cardiomyopathy (PMID: 33297573) and in two individuals affected with left ventricular noncompaction cardiomyopathy (PMID: 34540771, 34853230). This variant has been identified in 8/249866 chromosomes in the general population by the Genome Aggregation Database (gnomAD). The available evidence is insufficient to determine the role of this variant in disease conclusively. Therefore, this variant is classified as a Variant of Uncertain Significance.

New York Genome Center
Classification: Likely pathogenic for Dilated cardiomyopathy 1D. Last evaluated: 2020-04-28. Review status: criteria provided, single submitter. Criteria: NYGC Assertion Criteria 2020. Collection method: clinical testing. Allele origin: inherited. Observed: 1 heterozygote. Study: CSER-NYCKidSeq.
Comment: The heterozygous p.Arg144Trp missense variant identified in TNNT2 has been reported in a South Indian family affected with late-onset familial dilated cardiomyopathy and sudden cardiac death (SCD) [PMID: 24992688]. The variant was detected in four affected family members (one additional obligate carrierdeceasedpatientwhose DNA was not available for analysis) and was absent in eleven unaffected family members [PMID: 24992688]. ClinVar has an entry of this variant [ClinVar ID:132943]. The p.Arg144Trp variant has overall 0.00003 allele frequency in gnomAD database (8 out of 249,866 heterozygous alleles) and 0.00013 allele frequency (4 out of 30,504 heterozygous alleles) in South Asian subpopulation represented in the gnomAD database. The variant affects a moderately conserved residue, is located within functionally important tropomyosin-binding domain (residues ~80-180) and is predicted “deleterious” by multiple in silico prediction tools. In vitro functional experiments suggest that the p.Arg144Trp variant may increase the binding affinity for tropomyosin and reduce Ca2+ sensitivity [PMID: 28973951]. Based on the available evidence, the p.Arg144Trp variant in the TNNT2 gene is assessed as likely pathogenic.

Laboratory for Molecular Medicine, Mass General Brigham Personalized Medicine
Classification: Uncertain significance. Last evaluated: 2019-06-28. Review status: criteria provided, single submitter. Criteria: LMM Criteria. Collection method: clinical testing. Allele origin: germline. Inheritance: Autosomal dominant inheritance. Observed: 1 variant allele.
Comment: Variant classified as Uncertain Significance - Favor Pathogenic. The p.Arg144Trp variant in TNNT2 has been reported in 1 individual with dilated cardiomyopathy and segregated with disease in 4 affected relatives, including 1 obligate carrier (Rani 2014). It has also been identified in 4/30504 South Asian chromosomes by gnomAD and has been reported in ClinVar (Variation ID #132943). An in vitro functional study suggests that this variant may disrupt troponin binding (Gangadharan 2017) and computational prediction tools suggest that it may impact the protein, though this information is not predictive enough to determine pathogenicity.In summary, while there is some suspicion for a pathogenic role, the clinical significance of this variant is uncertain. ACMG/AMP Criteria Applied: PS3_Supporting, PP1, PP3.

CHEO Genetics Diagnostic Laboratory, Children's Hospital of Eastern Ontario
Classification: Likely pathogenic for Cardiomyopathy. Last evaluated: 2018-08-20. Review status: criteria provided, single submitter. Criteria: ACMG Guidelines, 2015. Collection method: clinical testing. Allele origin: germline.

Klaassen Lab, Charite University Medicine Berlin
Classification: Pathogenic for Left ventricular noncompaction cardiomyopathy. Review status: criteria provided, single submitter. Criteria: ACMG Guidelines, 2015. Collection method: research. Allele origin: germline. Affected: yes.

Klaassen Lab, Charite University Medicine Berlin
Classification: Likely pathogenic for Myocarditis; Primary dilated cardiomyopathy. Review status: criteria provided, single submitter. Criteria: ACMG Guidelines, 2015. Collection method: research. Allele origin: germline. Affected: yes.

Evolutionary and Medical Genetics Laboratory,  Centre for Cellular and Molecular Biology
Classification: Pathogenic. Review status: no assertion criteria provided. Collection method: not provided. Allele origin: germline. Not counted in ClinVar's aggregate classification.
Comment: Present study of all the exons and exon-intron boundaries of cTnT in 147 DCM and 207 healthy controls, had revealed a total of 15 SNPs and a 5bp INDEL. of which, the polymorphic SNPs were compared with the HapMap population data. Interestingly a novel R144W mutation, that substitutes polar-neutral tryptophan for a highly conserved basic arginine in cTnT, altering the charge drastically, was identified in a DCM, with a family history of sudden-cardiac death (SCD). Family studies had revealed that the R144W is co-segregating with disease in a family as an autosomal dominant trait, but was completely absent in 207 healthy controls and 162 previously studied HCM patients.
ClinVar note: Converted during submission from pathogenic to Pathogenic.

Literature cited by the submitters: PubMed 24992688 (cited by 5 submitters); PubMed 36264615 (cited by Labcorp Genetics (formerly Invitae), Labcorp and Variantyx, Inc.); PubMed 37937776 (cited by Labcorp Genetics (formerly Invitae), Labcorp); PubMed 28973951 (cited by 4 submitters); PubMed 33025817 (cited by Labcorp Genetics (formerly Invitae), Labcorp); PubMed 32278834 (cited by Variantyx, Inc.); PubMed 33297573 (cited by 3 submitters); PubMed 34213952 (cited by 3 submitters); PubMed 34540771 (cited by 3 submitters); PubMed 34853230 (cited by All of Us Research Program, National Institutes of Health and Color Diagnostics, LLC DBA Color Health); PubMed 27153395 (cited by Laboratory for Molecular Medicine, Mass General Brigham Personalized Medicine).